The following is an entry in ClinVar:

NM_032977.4(CASP10):c.221A>G (p.Glu74Gly)

Gene: CASP10 (caspase 10; plus strand). Cytogenetic location: 2q33.1.
Variant type: single nucleotide variant.
Coding change: c.221A>G on transcript NM_032977.4 (MANE Select); coding-DNA position 221, A replaced by G.
Protein change: p.Glu74Gly; replaces glutamic acid 74 with glycine.
Molecular consequence: missense variant.
Genome position (GRCh38, 1-based): chr2:201,185,998, A>G. VCF-style: chr2-201185998-A-G. GRCh37 (hg19) VCF-style: chr2-202050721-A-G.
Other names: c.221A>G, p.Glu74Gly (NM_001206524.2, NM_001206542.2, NM_001230.5 and 3 more transcripts); short protein forms E74G.
Identifiers: ClinVar variation 3751497 (VCV003751497.2).

ClinVar aggregate classification (germline): Uncertain significance (1 of 4 stars; one submission).

Conditions:
Autoimmune lymphoproliferative syndrome type 2A (ALPS2A). Also called: CASP10-Related Autoimmune Lymphoproliferative Syndrome; AUTOIMMUNE LYMPHOPROLIFERATIVE SYNDROME, TYPE IIA; Autoimmune lymphoproliferative syndrome type 2. Identifiers: Orphanet 3261, MedGen C1858968, MONDO:0011383, OMIM 603909.

gnomAD v4.1: 1 of 1,613,778 alleles (0.000062%); highest among the groups gnomAD compares: Non-Finnish European, 0.000085%; no homozygotes.

Submission:

Labcorp Genetics (formerly Invitae), Labcorp
Classification: Uncertain significance for Autoimmune lymphoproliferative syndrome type 2A. Last evaluated: 2024-02-14. Review status: criteria provided, single submitter. Criteria: Invitae Variant Classification Sherloc (09022015). Collection method: clinical testing. Allele origin: germline.
Comment: This sequence change replaces glutamic acid, which is acidic and polar, with glycine, which is neutral and non-polar, at codon 74 of the CASP10 protein (p.Glu74Gly). This variant is not present in population databases (gnomAD no frequency). This variant has not been reported in the literature in individuals affected with CASP10-related conditions. Algorithms developed to predict the effect of missense changes on protein structure and function output the following: SIFT: "Not Available"; PolyPhen-2: "Benign"; Align-GVGD: "Not Available". The glycine amino acid residue is found in multiple mammalian species, which suggests that this missense change does not adversely affect protein function. In summary, the available evidence is currently insufficient to determine the role of this variant in disease. Therefore, it has been classified as a Variant of Uncertain Significance.